The following is an entry in ClinVar:

NM_000035.4(ALDOB):c.448G>C (p.Ala150Pro)

Gene: ALDOB (aldolase, fructose-bisphosphate B; minus strand). Cytogenetic location: 9q31.1.
Variant type: single nucleotide variant.
Coding change: c.448G>C on transcript NM_000035.4 (MANE Select); coding-DNA position 448, G replaced by C.
Protein change: p.Ala150Pro; replaces alanine 150 with proline.
Molecular consequence: missense variant.
Genome position (GRCh38, 1-based): chr9:101,427,574, C>G on the plus strand (G>C on the coding strand, the complement: ALDOB is on the minus strand). VCF-style: chr9-101427574-C-G. GRCh37 (hg19) VCF-style: chr9-104189856-C-G.
Other names: NM_000035.3(ALDOB):c.448G>C(p.Ala150Pro); short protein forms A150P.
Identifiers: ClinVar variation 464 (VCV000000464.114), dbSNP rs1800546, ClinGen allele CA339810.

ClinVar aggregate classification (germline): Pathogenic/Likely pathogenic. Review status: criteria provided, multiple submitters, no conflicts (2 of 4 stars). 50 submissions from 50 submitters: Pathogenic (40); Likely pathogenic (1). 9 of the submissions do not count toward it. Last evaluated 2026-09-14.

Conditions:
ALDOB-related disorder. Also called: ALDOB-related condition.
Inborn genetic diseases. Identifiers: MedGen C0950123, MeSH D030342.
Glycogen storage disease. Also called: glycogen storage disorder; Disorder of glycogen metabolism. Identifiers: Orphanet 79201, MedGen C0017919, MONDO:0002412.
Hereditary fructosuria. Also called: ALDOB DEFICIENCY; ALDOLASE B DEFICIENCY; FRUCTOSE-1,6-BISPHOSPHATE ALDOLASE B DEFICIENCY; FRUCTOSE-1-PHOSPHATE ALDOLASE DEFICIENCY; FRUCTOSEMIA; Fructose intolerance. Identifiers: Orphanet 469, MedGen C0016751, MONDO:0009249, OMIM 229600, HP:0005973. Disease mechanism: loss of function.

Allele frequency attached by ClinVar (database versions not stated): 1000 Genomes Project 0.00180; ExAC 0.00270; 1000 Genomes Project 30x 0.00141; gnomAD 0.00319 and 0.00315; gnomAD exomes 0.00295; TOPMed 0.00268.
gnomAD v4.1: 7,087 of 1,614,172 alleles (0.44%); highest among the groups gnomAD compares: Non-Finnish European, 0.53%; 18 homozygotes.

Submissions 1 to 11 of 50:

Genetics Laboratory, Great Ormond Street Hospital NHS Foundation Trust, North Thames Genomic Laboratory Hub
Classification: Pathogenic for Glycogen storage disease. Last evaluated: 2026-09-14. Review status: criteria provided, single submitter. Criteria: ACGS Best Practice Guidelines for Variant Classification in Rare Disease 2024 v1.2. Collection method: clinical testing. Allele origin: germline. Affected: yes.
Comment: PP3_supporting, PS3_moderate, PM3_very-strong

PreventionGenetics, part of Exact Sciences
Classification: Pathogenic for ALDOB-related condition. Last evaluated: 2026-09-11. Review status: criteria provided, single submitter. Criteria: ACMG Guidelines, 2015. Collection method: clinical testing. Allele origin: germline.
Comment: The ALDOB c.448G>C variant is predicted to result in the amino acid substitution p.Ala150Pro. This variant, also referred to as p.Ala149Pro in the literature, is one of the most frequently reported causative variants for hereditary fructose intolerance (Cross et al. 1988. PubMed ID: 3383242; Sánchez-Gutiérrez et al. 2002. PubMed ID: 12205126). This variant is reported in 0.49% of alleles in individuals of European (Non-Finnish) descent in gnomAD. This variant is interpreted as pathogenic.

CeGaT Center for Human Genetics Tuebingen
Classification: Pathogenic. Last evaluated: 2026-07-01. Review status: criteria provided, single submitter. Criteria: CeGaT Center For Human Genetics Tuebingen Variant Classification Criteria Version 2. Collection method: clinical testing. Allele origin: germline. Affected: yes. Observed: 17 variant alleles.
Comment: ALDOB: PM3:Very Strong, PS3, PM2:Supporting

Dasa
Classification: Pathogenic. Last evaluated: 2026-04-01. Review status: criteria provided, single submitter. Criteria: DASA Assertion Criteria. Collection method: clinical testing. Allele origin: germline.
Comment: NM_000035.4(ALDOB):c.448G>C (p.Ala150Pro) is a missense variant that results in the substitution of alanine with proline. Functional evidence supports a deleterious effect on the gene or gene product (PMID: 12417303; PMID: 3383242; PMID: 32709737; PMID: 23430936; PMID: 26913919). This variant has been recurrently observed in individuals with related phenotype (PMID: 12417303; PMID: 3383242; PMID: 32709737; PMID: 23430936; PMID: 26913919). Segregation evidence has been reported in affected families. The variant is present at low frequency in population datasets. Based on the available data, this variant is classified as pathogenic.

Labcorp Genetics (formerly Invitae), Labcorp
Classification: Pathogenic for Hereditary fructosuria. Last evaluated: 2026-02-04. Review status: criteria provided, single submitter. Criteria: Invitae Variant Classification Sherloc (09022015). Collection method: clinical testing. Allele origin: germline.
Comment: This sequence change replaces alanine, which is neutral and non-polar, with proline, which is neutral and non-polar, at codon 150 of the ALDOB protein (p.Ala150Pro). This variant is present in population databases (rs1800546, gnomAD 0.5%), and has an allele count higher than expected for a pathogenic variant. This missense change has been observed in individual(s) with inherited fructose intolerance (PMID: 3383242, 8096362, 15880727, 18541450, 19768653, 27797444). It has also been observed to segregate with disease in related individuals. ClinVar contains an entry for this variant (Variation ID: 464). An algorithm developed to predict the effect of missense changes on protein structure and function (PolyPhen-2) suggests that this variant is likely to be disruptive. Experimental studies have shown that this missense change affects ALDOB function (PMID: 12417303, 12464284). For these reasons, this variant has been classified as Pathogenic.

Otogenetics
Classification: Pathogenic for Hereditary fructosuria. Last evaluated: 2026-01-16. Review status: criteria provided, single submitter. Criteria: ACMG Guidelines, 2015. Collection method: clinical testing. Allele origin: germline.
Comment: PS3_Supporting: Well-established in vitro and in vivo functional studies supportive of damaging effect on the gene product, with low residual enzymatic activity relative to wild-type reported (PMID: 12417303, 12464284, 15733923); PM3_VeryStrong: Variant reported in homozygous state in two affected individuals and in trans with 7 pathogenic variants in 9 individuals affected with hereditary fructose intolerance (PMID: 19768653, 20848650, 23430936, 35398868); PP3: In-silico models predict deleterious effect (Revel = 0.7, BayesDel = 0.33)

Victorian Clinical Genetics Services, Murdoch Childrens Research Institute
Classification: Pathogenic for Hereditary fructosuria. Last evaluated: 2025-11-19. Review status: criteria provided, single submitter. Criteria: ACMG Guidelines, 2015. Collection method: clinical testing. Allele origin: germline.
Comment: This variant is classified as Pathogenic. Evidence in support of pathogenic classification: Variant is present in gnomAD <0.01 for a recessive condition (v4: 7051 heterozygote(s), 18 homozygote(s)); This variant has strong previous evidence of pathogenicity in unrelated individuals. This variant has been reported many times as pathogenic and likely pathogenic, and is one of the most common deleterious variants in this gene (ClinVar, PMID: 15880727); This variant has moderate functional evidence supporting abnormal protein function. In vitro assays demonstrate that this missense variant results in the complete loss of catalytic activity and efficiency of substrates fructose-1,6-bisphosphate and fructose-1-phosphate (PMID: 12417303); Missense variant consistently predicted to be damaging by multiple in silico tools or highly conserved with a major amino acid change. Additional information: Variant is predicted to result in a missense amino acid change from Ala to Pro; This variant is homozygous; This gene is associated with autosomal recessive disease; Alternative amino acid change(s) at the same position are present in gnomAD (highest allele count: v4: 1 heterozygote(s), 0 homozygote(s)); Variant is located in the annotated glycolytic domain (DECIPHER); Loss of function is a known mechanism of disease in this gene and is associated with hereditary fructose intolerance (MIM#229600).

Natera, Inc.
Classification: Pathogenic for Fructose intolerance. Last evaluated: 2025-11-14. Review status: criteria provided, single submitter. Criteria: Natera Variant Classification Schema (03/2026). Collection method: clinical testing. Allele origin: germline.
Comment: The c.448G>C variant in ALDOB is a missense variant predicted to cause substitution of alanine to proline at amino acid 150. This variant is rare in the general population with a frequency below the threshold expected for the associated phenotype(s). This variant has been observed in one or more individuals affected with the associated recessive disease, as either homozygous or compound heterozygous with a second variant (PMID: 16406649). Given the available evidence, this variant is classified as Pathogenic.

3billion
Classification: Pathogenic for Hereditary fructosuria. Last evaluated: 2025-10-30. Review status: criteria provided, single submitter. Criteria: ACMG Guidelines, 2015. Collection method: clinical testing. Allele origin: germline. Affected: yes.
Comment: The variant is observed at an extremely low frequency in the gnomAD v4.1.0 dataset (total allele frequency: 0.439%). Predicted Consequence/Location: Missense variant Functional studies provide strong evidence of the variant having a damaging effect on the gene or gene product (PMID: 12417303, 12464284). In silico tool predictions suggest damaging effect of the variant on gene or gene product [REVEL: 0.70 (>=0.6, sensitivity 0.68 and specificity 0.92); 3Cnet: 0.00 (> 0.75, sensitivity 0.96 and precision 0.92)]. The same nucleotide change resulting in the same amino acid change has been previously reported as pathogenic/likely pathogenic with strong evidence (ClinVar ID: VCV000000464 /PMID: 3383242 /3billion dataset). The variant has been reported to be in trans with a pathogenic variant as either compound heterozygous or homozygous in at least 4 similarly affected unrelated individuals (PMID: 16406649, 18541450, 19768653, 23430936, 26937407, 27797444, 29510902, 3383242). The variant has been reported to co-segregate with the disease in at least one similarly affected relative/individual in the same family or similarly affected unrelated families (PMID: 16406649, 3383242). Therefore, this variant is classified as Pathogenic according to the recommendation of ACMG/AMP guideline.

North West Genomic Laboratory Hub, Manchester University NHS Foundation Trust
Classification: Pathogenic for Hereditary fructosuria. Last evaluated: 2025-10-15. Review status: criteria provided, single submitter. Criteria: ACGS Best Practice Guidelines for Variant Classification in Rare Disease 2020. Collection method: clinical testing. Allele origin: germline. Affected: yes.
Comment: PP3_Supp PM3_VStr PP4_Str PS3_Supp

Immunogenetics and Transplant Biology Service, University Hospital "Città della Salute e della Scienza di Torino"
Classification: Pathogenic for Hereditary fructosuria. Last evaluated: 2025-06-28. Review status: criteria provided, single submitter. Criteria: ACMG Guidelines, 2015. Collection method: clinical testing. Allele origin: germline. Affected: yes.